The following is an entry in ClinVar:

NM_203446.3(SYNJ1):c.*232C>T

Gene: SYNJ1 (synaptojanin 1; minus strand). Cytogenetic location: 21q22.11.
Variant type: single nucleotide variant.
Coding change: c.*232C>T on transcript NM_203446.3 (MANE Select); 232 bases downstream of the stop codon, C replaced by T.
Molecular consequence: 3 prime UTR variant. On other transcripts: missense variant (2).
Genome position (GRCh38, 1-based): chr21:32,631,573, G>A on the plus strand (C>T on the coding strand, the complement: SYNJ1 is on the minus strand). VCF-style: chr21-32631573-G-A. GRCh37 (hg19) VCF-style: chr21-34003883-G-A.
Other names: c.*232C>T (NM_001160302.2); c.4003C>T, p.Arg1335Trp (NM_001160306.2); c.4261C>T, p.Arg1421Trp (NM_003895.4); short protein forms R1335W, R1421W.
Identifiers: ClinVar variation 995023 (VCV000995023.9), dbSNP rs373563239, ClinGen allele CA10003152.

ClinVar aggregate classification (germline): Conflicting classifications of pathogenicity. Review status: criteria provided, conflicting classifications (1 of 4 stars). 4 submissions from 4 submitters: Uncertain significance (3); Likely benign (1). Last evaluated 2026-07-01.

Conditions:
Inborn genetic diseases. Identifiers: MedGen C0950123, MeSH D030342.
Early-onset Parkinson disease 20. Also called: PARKINSON DISEASE 20, AUTOSOMAL RECESSIVE EARLY-ONSET. Identifiers: Orphanet 391411, MedGen C3809824, MONDO:0014233, OMIM 615530.
Developmental and epileptic encephalopathy, 53. Also called: Epileptic encephalopathy, early infantile, 53. Identifiers: MedGen C4479313, MONDO:0033362, OMIM 617389.

Allele frequency attached by ClinVar (database versions not stated): gnomAD 0.00001; TOPMed 0.00001; ExAC 0.00002; gnomAD exomes 0.00004 and 0.00005; ESP Exome Variant Server 0.00008.
gnomAD v4.1: 65 of 1,613,952 alleles (0.004%); highest among the groups gnomAD compares: Middle Eastern, 0.016%; 2 homozygotes.

Submissions (4):

CeGaT Center for Human Genetics Tuebingen
Classification: Likely benign. Last evaluated: 2026-07-01. Review status: criteria provided, single submitter. Criteria: CeGaT Center For Human Genetics Tuebingen Variant Classification Criteria Version 2. Collection method: clinical testing. Allele origin: germline. Affected: yes. Observed: 1 variant allele.
Comment: SYNJ1: BS2

Ambry Genetics
Classification: Uncertain significance for Inborn genetic diseases. Last evaluated: 2025-10-22. Review status: criteria provided, single submitter. Criteria: Ambry Variant Classification Scheme 2023. Collection method: clinical testing. Allele origin: germline.

Labcorp Genetics (formerly Invitae), Labcorp
Classification: Uncertain significance for Developmental and epileptic encephalopathy, 53; Early-onset Parkinson disease 20. Last evaluated: 2022-02-08. Review status: criteria provided, single submitter. Criteria: Invitae Variant Classification Sherloc (09022015). Collection method: clinical testing. Allele origin: germline.
Comment: This sequence change replaces arginine, which is basic and polar, with tryptophan, which is neutral and slightly polar, at codon 1421 of the SYNJ1 protein (p.Arg1421Trp). This variant is present in population databases (rs373563239, gnomAD 0.02%), including at least one homozygous and/or hemizygous individual. This variant has not been reported in the literature in individuals affected with SYNJ1-related conditions. ClinVar contains an entry for this variant (Variation ID: 995023). Algorithms developed to predict the effect of missense changes on protein structure and function are either unavailable or do not agree on the potential impact of this missense change (SIFT: "Deleterious"; PolyPhen-2: "Possibly Damaging"; Align-GVGD: "Class C0"). In summary, the available evidence is currently insufficient to determine the role of this variant in disease. Therefore, it has been classified as a Variant of Uncertain Significance.

Athena Diagnostics
Classification: Uncertain significance. Last evaluated: 2020-04-03. Review status: criteria provided, single submitter. Criteria: Athena Diagnostics Criteria. Collection method: clinical testing. Allele origin: unknown.